The following is an entry in ClinVar:

ClinVar aggregate classification (germline): Uncertain significance. Review status: criteria provided, multiple submitters, no conflicts (2 of 4 stars). 4 submissions from 4 submitters: Uncertain significance (4). Last evaluated 2026-01-11.

Conditions:
Catecholaminergic polymorphic ventricular tachycardia (CVPT). Also called: Catecholamine-induced polymorphic ventricular tachycardia. Identifiers: Orphanet 3286, MedGen C5574922, MONDO:0017990.
Cardiomyopathy (CMYO). Also called: Cardiomyopathies. Identifiers: Orphanet 167848, MedGen C0878544, MONDO:0004994, HP:0001638. Inheritance: Various modes of inheritance.
Catecholaminergic polymorphic ventricular tachycardia 1. Also called: RYR2-Related Catecholaminergic Polymorphic Ventricular Tachycardia; VENTRICULAR TACHYCARDIA, STRESS-INDUCED POLYMORPHIC 1; VENTRICULAR TACHYCARDIA, CATECHOLAMINERGIC POLYMORPHIC, 1, WITH OR WITHOUT ATRIAL DYSFUNCTION AND/OR DILATED CARDIOMYOPATHY. Identifiers: Orphanet 3286, MedGen C1631597, MONDO:0011484, OMIM 604772.

Allele frequency attached by ClinVar (database versions not stated): gnomAD exomes below 0.00001 and 0.00001; TOPMed below 0.00001; ExAC 0.00001; gnomAD 0.00001.
gnomAD v4.1: 12 of 1,609,822 alleles (0.00075%); highest among the groups gnomAD compares: Non-Finnish European, 0.001%; no homozygotes.

Submissions (4):

Labcorp Genetics (formerly Invitae), Labcorp
Classification: Uncertain significance for Catecholaminergic polymorphic ventricular tachycardia 1. Last evaluated: 2026-01-11. Review status: criteria provided, single submitter. Criteria: Invitae Variant Classification Sherloc (09022015). Collection method: clinical testing. Allele origin: germline.
Comment: This sequence change falls in intron 87 of the RYR2 gene. It does not directly change the encoded amino acid sequence of the RYR2 protein. It affects a nucleotide within the consensus splice site. The frequency data for this variant in the population databases is considered unreliable, as metrics indicate poor data quality at this position in the gnomAD database. This variant has not been reported in the literature in individuals affected with RYR2-related conditions. ClinVar contains an entry for this variant (Variation ID: 645295). Variants that disrupt the consensus splice site are a relatively common cause of aberrant splicing (PMID: 17576681, 9536098). Algorithms developed to predict the effect of sequence changes on RNA splicing suggest that this variant is not likely to affect RNA splicing. In summary, the available evidence is currently insufficient to determine the role of this variant in disease. Therefore, it has been classified as a Variant of Uncertain Significance.

Women's Health and Genetics/Laboratory Corporation of America, LabCorp
Classification: Uncertain significance. Last evaluated: 2024-09-29. Review status: criteria provided, single submitter. Criteria: LabCorp Variant Classification Summary - May 2015. Collection method: clinical testing. Allele origin: germline.

Color Diagnostics, LLC DBA Color Health
Classification: Uncertain significance for Cardiomyopathy. Last evaluated: 2024-03-19. Review status: criteria provided, single submitter. Criteria: ACMG Guidelines, 2015. Collection method: clinical testing. Allele origin: germline.
Comment: This variant causes a C to A nucleotide substitution at the +6 position of intron 87 of the RYR2 gene. To our knowledge, functional studies have not been reported for this variant. This variant has not been reported in individuals affected with cardiovascular disorders in the literature. This variant has been identified in 1/246442 chromosomes in the general population by the Genome Aggregation Database (gnomAD). The available evidence is insufficient to determine the role of this variant in disease conclusively. Therefore, this variant is classified as a Variant of Uncertain Significance.

All of Us Research Program, National Institutes of Health
Classification: Uncertain significance for Catecholaminergic polymorphic ventricular tachycardia. Last evaluated: 2023-12-13. Review status: criteria provided, single submitter. Criteria: ACMG Guidelines, 2015. Collection method: clinical testing. Allele origin: germline. Inheritance: Autosomal dominant inheritance. Observed: 4 variant alleles, 4 heterozygotes.
Comment: This variant causes a C to A nucleotide substitution at the +6 position of intron 87 of the RYR2 gene. Splice prediction tools and conservation analysis are inconclusive regarding the impact of this variant on RNA splicing. To our knowledge, functional studies have not been reported for this variant. This variant has not been reported in individuals affected with cardiovascular disorders in the literature. This variant has been identified in 1/246442 chromosomes in the general population by the Genome Aggregation Database (gnomAD). The available evidence is insufficient to determine the role of this variant in disease conclusively. Therefore, this variant is classified as a Variant of Uncertain Significance.

This study involves interpretation of variants in research participants for the purpose of population health screening. Participant phenotype was not available at the time of variant classification. Additional details can be found in publication PMID: 35346344, PMCID: PMC8962531

Literature cited by the submitters: PubMed 17576681 (cited by Labcorp Genetics (formerly Invitae), Labcorp); PubMed 9536098 (cited by Labcorp Genetics (formerly Invitae), Labcorp).

NM_001035.3(RYR2):c.11775+6C>A

Gene: RYR2 (ryanodine receptor 2; plus strand). Cytogenetic location: 1q43.
Variant type: single nucleotide variant.
Coding change: c.11775+6C>A on transcript NM_001035.3 (MANE Select); 6 bases into the intron after coding-DNA position 11775, C replaced by A.
Molecular consequence: intron variant.
Genome position (GRCh38, 1-based): chr1:237,773,654, C>A. VCF-style: chr1-237773654-C-A. GRCh37 (hg19) VCF-style: chr1-237936954-C-A.
Other names: c.11775+6C>A (LRG_402t1).
Identifiers: ClinVar variation 645295 (VCV000645295.16), dbSNP rs758183625, ClinGen allele CA085050.
Genomic context (GRCh38, chr1:237,773,654, plus strand): 5'-CAAAGCTATCCAAGTGGCAAAACAAGTCTTTAACACTCTTACAGAGTATATTCAGGTAAA[C>A]ATTTAAACATGGCTGCTATCTGTAGCACTGAACTCCATAGAAAAATGCAGTATATCTAGA-3'